The following is an entry in ClinVar:

NM_003238.6(TGFB2):c.622C>G (p.His208Asp)

Gene: TGFB2 (transforming growth factor beta 2; plus strand). Cytogenetic location: 1q41.
Variant type: single nucleotide variant.
Coding change: c.622C>G on transcript NM_003238.6 (MANE Select); coding-DNA position 622, C replaced by G.
Protein change: p.His208Asp; replaces histidine 208 with aspartic acid.
Molecular consequence: missense variant. On other transcripts: non-coding transcript variant (2).
Genome position (GRCh38, 1-based): chr1:218,434,193, C>G. VCF-style: chr1-218434193-C-G. GRCh37 (hg19) VCF-style: chr1-218607535-C-G.
Other names: c.706C>G, p.His236Asp (NM_001135599.4); short protein forms H208D, H236D.
Identifiers: ClinVar variation 3325693 (VCV003325693.1).

ClinVar aggregate classification (germline): Uncertain significance (1 of 4 stars; one submission).

Conditions:
Familial thoracic aortic aneurysm and aortic dissection (TAAD). Also called: Thoracic aortic aneurysms and dissections. Identifiers: Orphanet 91387, MedGen C4707243, MONDO:0019625.

Submission:

Ambry Genetics
Classification: Uncertain significance for Familial thoracic aortic aneurysm and aortic dissection. Last evaluated: 2024-05-02. Review status: criteria provided, single submitter. Criteria: Ambry Variant Classification Scheme 2023. Collection method: clinical testing. Allele origin: germline.
Comment: The p.H208D variant (also known as c.622C>G), located in coding exon 3 of the TGFB2 gene, results from a C to G substitution at nucleotide position 622. The histidine at codon 208 is replaced by aspartic acid, an amino acid with similar properties. This amino acid position is conserved. In addition, this alteration is predicted to be tolerated by in silico analysis. Based on the available evidence, the clinical significance of this variant remains unclear.